The following is an entry in ClinVar:

ClinVar aggregate classification (germline): Uncertain significance (1 of 4 stars; one submission).

Submission:

Ambry Genetics
Classification: Uncertain significance. Last evaluated: 2023-05-25. Review status: criteria provided, single submitter. Criteria: Ambry Variant Classification Scheme 2023. Collection method: clinical testing. Allele origin: germline.
Comment: The p.R287P variant (also known as c.860G>C), located in coding exon 1 of the PALLD gene, results from a G to C substitution at nucleotide position 860. The arginine at codon 287 is replaced by proline, an amino acid with dissimilar properties. This amino acid position is conserved. In addition, this alteration is predicted to be tolerated by in silico analysis. Since supporting evidence is limited at this time, the clinical significance of this alteration remains unclear.

NM_001166108.2(PALLD):c.860G>C (p.Arg287Pro)

Gene: PALLD (palladin, cytoskeletal associated protein; plus strand). Cytogenetic location: 4q32.3.
Variant type: single nucleotide variant.
Coding change: c.860G>C on transcript NM_001166108.2 (MANE Select); coding-DNA position 860, G replaced by C.
Protein change: p.Arg287Pro; replaces arginine 287 with proline.
Molecular consequence: missense variant.
Genome position (GRCh38, 1-based): chr4:168,512,364, G>C. VCF-style: chr4-168512364-G-C. GRCh37 (hg19) VCF-style: chr4-169433515-G-C.
Other names: c.860G>C, p.Arg287Pro (NM_016081.4); short protein forms R287P.
Identifiers: ClinVar variation 2561635 (VCV002561635.2), dbSNP rs141283998, ClinGen allele CA358728531.